The following is an entry in ClinVar:

NM_004104.5(FASN):c.1966-9G>C

Gene: FASN (fatty acid synthase; minus strand). Cytogenetic location: 17q25.3.
Variant type: single nucleotide variant.
Coding change: c.1966-9G>C on transcript NM_004104.5 (MANE Select); 9 bases into the intron before coding-DNA position 1966, G replaced by C.
Molecular consequence: intron variant.
Genome position (GRCh38, 1-based): chr17:82,089,393, C>G on the plus strand (G>C on the coding strand, the complement: FASN is on the minus strand). VCF-style: chr17-82089393-C-G. GRCh37 (hg19) VCF-style: chr17-80047269-C-G.
Identifiers: ClinVar variation 2149949 (VCV002149949.4), dbSNP rs1175851683, ClinGen allele CA628027234.

ClinVar aggregate classification (germline): Uncertain significance (1 of 4 stars; one submission).

Conditions:
Epileptic encephalopathy. Identifiers: MedGen C0543888, HP:0200134.

gnomAD v4.1: 2 of 1,612,648 alleles (0.00012%); highest among the groups gnomAD compares: Non-Finnish European, 0.000085%; no homozygotes.

Submission:

Labcorp Genetics (formerly Invitae), Labcorp
Classification: Uncertain significance for Epileptic encephalopathy. Last evaluated: 2022-10-05. Review status: criteria provided, single submitter. Criteria: Invitae Variant Classification Sherloc (09022015). Collection method: clinical testing. Allele origin: germline.
Comment: This sequence change falls in intron 12 of the FASN gene. It does not directly change the encoded amino acid sequence of the FASN protein. This variant is present in population databases (no rsID available, gnomAD 0.007%). This variant has not been reported in the literature in individuals affected with FASN-related conditions. Algorithms developed to predict the effect of sequence changes on RNA splicing suggest that this variant may disrupt the consensus splice site. In summary, the available evidence is currently insufficient to determine the role of this variant in disease. Therefore, it has been classified as a Variant of Uncertain Significance.